The following is an entry in ClinVar:

ClinVar aggregate classification (germline): Uncertain significance (1 of 4 stars; one submission).

gnomAD v4.1: 2 of 152,258 alleles (0.0013%); highest among the groups gnomAD compares: African/African-American, 0.0048%; no homozygotes.

Submission:

Institute for Human Genetics, University Hospital Essen
Classification: Uncertain significance. Last evaluated: 2005-03-05. Review status: criteria provided, single submitter. Criteria: ACMG Guidelines, 2015. Collection method: clinical testing. Allele origin: de novo. Affected: yes.
Comment: PM2_supp, PS2

NR_104080.1(RNU6-9):n.7G>C

Gene: RNU6-9 (RNA, U6 small nuclear 9; plus strand). Cytogenetic location: 19p13.3.
Variant type: single nucleotide variant.
Molecular consequence: non-coding transcript variant (on NR_104080.1).
Genome position: GRCh38 VCF-style: chr19-893490-G-C. GRCh37 (hg19) VCF-style: chr19-893490-G-C.
Identifiers: ClinVar variation 3770173 (VCV003770173.1).